The following is an entry in ClinVar:

NM_001382567.1(STIM1):c.1931C>T (p.Ser644Phe)

Genes: STIM1 (stromal interaction molecule 1; plus strand), LOC124418421 (Sharpr-MPRA regulatory region 9588; plus strand). Cytogenetic location: 11p15.4.
Variant type: single nucleotide variant.
Coding change: c.1931C>T on transcript NM_001382567.1 (MANE Select); coding-DNA position 1931, C replaced by T.
Protein change: p.Ser644Phe; replaces serine 644 with phenylalanine.
Molecular consequence: missense variant. On other transcripts: 3 prime UTR variant (4), non-coding transcript variant (3).
Genome position (GRCh38, 1-based): chr11:4,091,578, C>T. VCF-style: chr11-4091578-C-T. GRCh37 (hg19) VCF-style: chr11-4112808-C-T.
Other names: c.2156C>T, p.Ser719Phe (NM_001277961.3); c.*252C>T (NM_001277962.2, NM_001382578.1, NM_001382579.1 and 1 more transcripts); c.1934C>T, p.Ser645Phe (NM_001382566.1); c.1859C>T, p.Ser620Phe (NM_001382568.1); c.1703C>T, p.Ser568Phe (NM_001382569.1); c.1610C>T, p.Ser537Phe (NM_001382570.1); c.1358C>T, p.Ser453Phe (NM_001382571.1); c.1616C>T, p.Ser539Phe (NM_001382575.1, NM_001382576.1, NM_001382577.1); and 2 more; short protein forms S450F, S453F, S537F, S539F, S568F, S613F, S620F, S644F.
Identifiers: ClinVar variation 2418068 (VCV002418068.8), dbSNP rs35637264, ClinGen allele CA379197595.

ClinVar aggregate classification (germline): Uncertain significance (1 of 4 stars; one submission).

Conditions:
Combined immunodeficiency due to STIM1 deficiency. Also called: STIM1 DEFICIENCY; IMMUNODEFICIENCY 10. Identifiers: Orphanet 169090, Orphanet 317430, MedGen C2748557, MONDO:0013008, OMIM 612783.
Myopathy with tubular aggregates (TAM). Also called: Tubular Aggregate Myopathy. Identifiers: Orphanet 2593, MedGen C0410207, MONDO:0008051.
Stormorken syndrome (STRMK). Also called: THROMBOCYTOPATHY, ASPLENIA, AND MIOSIS. Identifiers: Orphanet 3204, MedGen C1861451, MONDO:0008497, OMIM 185070.

gnomAD v4.1: 3 of 1,614,202 alleles (0.00019%); highest among the groups gnomAD compares: Middle Eastern, 0.033%; no homozygotes.

Submission:

Labcorp Genetics (formerly Invitae), Labcorp
Classification: Uncertain significance for Myopathy with tubular aggregates; Combined immunodeficiency due to STIM1 deficiency; Stormorken syndrome. Last evaluated: 2023-06-16. Review status: criteria provided, single submitter. Criteria: Invitae Variant Classification Sherloc (09022015). Collection method: clinical testing. Allele origin: germline.
Comment: Advanced modeling of protein sequence and biophysical properties (such as structural, functional, and spatial information, amino acid conservation, physicochemical variation, residue mobility, and thermodynamic stability) performed at Invitae indicates that this missense variant is not expected to disrupt STIM1 protein function. In summary, the available evidence is currently insufficient to determine the role of this variant in disease. Therefore, it has been classified as a Variant of Uncertain Significance. ClinVar contains an entry for this variant (Variation ID: 2418068). This variant has not been reported in the literature in individuals affected with STIM1-related conditions. This variant is not present in population databases (gnomAD no frequency). This sequence change replaces serine, which is neutral and polar, with phenylalanine, which is neutral and non-polar, at codon 613 of the STIM1 protein (p.Ser613Phe).